The following is an entry in ClinVar:

ClinVar aggregate classification (germline): Pathogenic (0 of 4 stars; one submission).

Conditions:
TCOF1-related disorder. Also called: TCOF1-related condition.

Submission:

PreventionGenetics, part of Exact Sciences
Classification: Pathogenic for TCOF1-related condition. Last evaluated: 2024-09-04. Review status: no assertion criteria provided. Collection method: clinical testing. Allele origin: germline.
Comment: The TCOF1 c.1146dupC variant is predicted to result in a frameshift and premature protein termination (p.Arg383Glnfs*38). To our knowledge, this variant has not been reported in the literature or in a large population database, indicating this variant is rare. Frameshift variants in TCOF1 are expected to be pathogenic. This variant is interpreted as pathogenic.

NM_001371623.1(TCOF1):c.1146dup (p.Arg383fs)

Gene: TCOF1 (treacle ribosome biogenesis factor 1; plus strand). Cytogenetic location: 5q32.
Variant type: Duplication.
Coding change: c.1146dup on transcript NM_001371623.1 (MANE Select); coding-DNA position 1146, one base duplicated (C; older notation c.1146dupC).
Protein change: p.Arg383fs; shifts the reading frame from arginine 383.
Molecular consequence: frameshift variant.
Genome position (GRCh38, 1-based): chr5:150,374,679, C duplicated; the last of 5 consecutive C bases (chr5:150,374,675-150,374,679); duplicating any one gives the same sequence. VCF-style (leftmost placement, unchanged base first): chr5-150374674-T-TC. GRCh37 (hg19) VCF-style: chr5-149754237-T-TC.
Other names: c.915dup, p.Arg306fs (NM_000356.4, NM_001135245.2); c.1146dup, p.Arg383fs (NM_001008657.3, NM_001135243.2, NM_001135244.2 and 1 more transcripts); short protein forms R306fs, R383fs.
Identifiers: ClinVar variation 3346698 (VCV003346698.1).
Genomic context (GRCh38, chr5:150,374,674, plus strand): 5'-CAGGCGAAGGCCTCAGGAAAAACCTCTCAGGTCGGAGCTGCCTCAGCCCCTGCCAAGGAG[T>TC]CCCCCAGGAAAGGAGCTGCCCCAGCGCCCCCTGGGAAGACAGGGCCTGCAGTTGCCAAGG-3'